The following is an entry in ClinVar:

ClinVar aggregate classification (germline): Benign. Review status: criteria provided, multiple submitters, no conflicts (2 of 4 stars). 4 submissions from 3 submitters: Benign (4). Last evaluated 2021-05-13.

Conditions:
Leigh syndrome (NULS). Also called: Leigh's syndrome; Leigh Syndrome (mtDNA deletion); Leigh Disease; Leigh's necrotizing encephalopathy; Leigh's disease; Subacute necrotizing encephalopathy. Identifiers: Orphanet 506, MedGen C2931891, MONDO:0009723, OMIM 256000.
Mitochondrial complex I deficiency, nuclear type 1. Also called: NADH-COENZYME Q REDUCTASE DEFICIENCY; MITOCHONDRIAL NADH DEHYDROGENASE COMPONENT OF COMPLEX I, DEFICIENCY OF. Identifiers: MedGen C6022305, MONDO:0100224, OMIM 252010.

Allele frequency attached by ClinVar (database versions not stated): 1000 Genomes Project 30x 0.24578; 1000 Genomes Project 0.24940; TOPMed 0.26893; gnomAD 0.28397 and 0.28510; gnomAD exomes 0.33151.
gnomAD v4.1: 376,830 of 1,159,702 alleles (32%); highest among the groups gnomAD compares: East Asian, 38%; 63,641 homozygotes.

Submissions (4):

GeneDx
Classification: Benign. Last evaluated: 2021-05-13. Review status: criteria provided, single submitter. Criteria: GeneDx Variant Classification Process June 2021. Collection method: clinical testing. Allele origin: germline. Affected: yes.

Illumina Laboratory Services, Illumina
Classification: Benign for Leigh syndrome. Last evaluated: 2018-01-13. Review status: criteria provided, single submitter. Criteria: ICSL Variant Classification Criteria 13 December 2019. Collection method: clinical testing. Allele origin: germline.
Comment: This variant was observed in the ICSL laboratory as part of a predisposition screen in an ostensibly healthy population. It had not been previously curated by ICSL or reported in the Human Gene Mutation Database (HGMD: prior to June 1st, 2018), and was therefore a candidate for classification through an automated scoring system. Utilizing variant allele frequency, disease prevalence and penetrance estimates, and inheritance mode, an automated score was calculated to assess if this variant is too frequent to cause the disease. Based on the score and internal cut-off values, a variant classified as benign is not then subjected to further curation. The score for this variant resulted in a classification of benign for this disease.

Illumina Laboratory Services, Illumina
Classification: Benign for Mitochondrial complex I deficiency, nuclear type 1. Last evaluated: 2018-01-13. Review status: criteria provided, single submitter. Criteria: ICSL Variant Classification Criteria 13 December 2019. Collection method: clinical testing. Allele origin: germline.
Comment: the same text as in the submission from Illumina Laboratory Services, Illumina above.

Breakthrough Genomics
Classification: Benign. Review status: criteria provided, single submitter. Criteria: ACMG Guidelines, 2015. Collection method: not provided. Allele origin: germline. Inheritance: Autosomal recessive inheritance. Affected: yes.

NM_004544.4(NDUFA10):c.*414G>A

Gene: NDUFA10 (NADH:ubiquinone oxidoreductase subunit A10; minus strand). Cytogenetic location: 2q37.3.
Variant type: single nucleotide variant.
Coding change: c.*414G>A on transcript NM_004544.4 (MANE Select); 414 bases downstream of the stop codon, G replaced by A.
Molecular consequence: 3 prime UTR variant. On other transcripts: non-coding transcript variant (3).
Genome position (GRCh38, 1-based): chr2:239,960,704, C>T on the plus strand (G>A on the coding strand, the complement: NDUFA10 is on the minus strand). VCF-style: chr2-239960704-C-T. GRCh37 (hg19) VCF-style: chr2-240900121-C-T.
Other names: c.*419G>A (NM_001322020.2).
Identifiers: ClinVar variation 335193 (VCV000335193.8), dbSNP rs13424612, ClinGen allele CA10614955.
Genomic context (GRCh38, chr2:239,960,704, plus strand): 5'-TTAAACCACACCACACCAAACAGGGCCCAGAGCAGCGTGTGTGCACGTGTGCAGTTTCGA[C>T]GTGCCCGCACGCACATAGACGTACGATGGGGAAATTCCCATGGAAACACTTTTATTTCTG-3'